The following is an entry in ClinVar:

ClinVar aggregate classification (germline): Uncertain significance. Review status: criteria provided, multiple submitters, no conflicts (2 of 4 stars). 2 submissions from 2 submitters: Uncertain significance (2). Last evaluated 2025-04-13.

gnomAD v4.1: 4 of 1,613,920 alleles (0.00025%); highest among the groups gnomAD compares: African/African-American, 0.0027%; no homozygotes.

Submissions (2):

Ambry Genetics
Classification: Uncertain significance. Last evaluated: 2025-04-13. Review status: criteria provided, single submitter. Criteria: Ambry Variant Classification Scheme 2023. Collection method: clinical testing. Allele origin: germline.

Labcorp Genetics (formerly Invitae), Labcorp
Classification: Uncertain significance. Last evaluated: 2024-04-16. Review status: criteria provided, single submitter. Criteria: Invitae Variant Classification Sherloc (09022015). Collection method: clinical testing. Allele origin: germline.
Comment: This sequence change replaces alanine, which is neutral and non-polar, with valine, which is neutral and non-polar, at codon 24 of the RFWD3 protein (p.Ala24Val). This variant is present in population databases (no rsID available, gnomAD 0.007%). This variant has not been reported in the literature in individuals affected with RFWD3-related conditions. Algorithms developed to predict the effect of missense changes on protein structure and function output the following: SIFT: "Not Available"; PolyPhen-2: "Benign"; Align-GVGD: "Not Available". The valine amino acid residue is found in multiple mammalian species, which suggests that this missense change does not adversely affect protein function. In summary, the available evidence is currently insufficient to determine the role of this variant in disease. Therefore, it has been classified as a Variant of Uncertain Significance.

NM_018124.4(RFWD3):c.71C>T (p.Ala24Val)

Gene: RFWD3 (ring finger and WD repeat domain 3; minus strand). Cytogenetic location: 16q23.1.
Variant type: single nucleotide variant.
Coding change: c.71C>T on transcript NM_018124.4 (MANE Select); coding-DNA position 71, C replaced by T.
Protein change: p.Ala24Val; replaces alanine 24 with valine.
Molecular consequence: missense variant. On other transcripts: 5 prime UTR variant (4), intron variant (1).
Genome position (GRCh38, 1-based): chr16:74,661,379, G>A on the plus strand (C>T on the coding strand, the complement: RFWD3 is on the minus strand). VCF-style: chr16-74661379-G-A. GRCh37 (hg19) VCF-style: chr16-74695277-G-A.
Other names: c.71C>T, p.Ala24Val (NM_001370534.1, NM_001370535.1, NM_001370536.1); c.-938C>T (NM_001370537.1); c.-561C>T (NM_001370539.1); c.-815C>T (NM_001370542.1); c.-693C>T (NM_001370543.1); c.-317+3245C>T (NM_001370540.1); c.71C>T (NM_018124.3); short protein forms A24V.
Identifiers: ClinVar variation 3689702 (VCV003689702.3).